The following is an entry in ClinVar:

NM_001365276.2(TNXB):c.2513C>T (p.Thr838Ile)

Gene: TNXB (tenascin XB; minus strand). Cytogenetic location: 6p21.33.
Variant type: single nucleotide variant.
Coding change: c.2513C>T on transcript NM_001365276.2 (MANE Select); coding-DNA position 2513, C replaced by T.
Protein change: p.Thr838Ile; replaces threonine 838 with isoleucine.
Molecular consequence: missense variant.
Genome position (GRCh38, 1-based): chr6:32,089,225, G>A on the plus strand (C>T on the coding strand, the complement: TNXB is on the minus strand). VCF-style: chr6-32089225-G-A. GRCh37 (hg19) VCF-style: chr6-32057002-G-A.
Other names: c.2513C>T, p.Thr838Ile (NM_019105.8); short protein forms T838I.
Identifiers: ClinVar variation 3327865 (VCV003327865.1).

ClinVar aggregate classification (germline): Uncertain significance (1 of 4 stars; one submission).

Conditions:
Cardiovascular phenotype. Identifiers: MedGen CN230736.

gnomAD v4.1: 10 of 1,598,360 alleles (0.00063%); highest among the groups gnomAD compares: South Asian, 0.0056%; no homozygotes.

Submission:

Ambry Genetics
Classification: Uncertain significance for Cardiovascular phenotype. Last evaluated: 2024-05-02. Review status: criteria provided, single submitter. Criteria: Ambry Variant Classification Scheme 2023. Collection method: clinical testing. Allele origin: germline.
Comment: The p.T838I variant (also known as c.2513C>T), located in coding exon 4 of the TNXB gene, results from a C to T substitution at nucleotide position 2513. The threonine at codon 838 is replaced by isoleucine, an amino acid with similar properties. This amino acid position is conserved. In addition, this alteration is predicted to be tolerated by in silico analysis. Since supporting evidence is limited at this time, the clinical significance of this alteration remains unclear.